The following is an entry in ClinVar:

ClinVar aggregate classification (germline): Uncertain significance (1 of 4 stars; one submission).

Conditions:
PNKD-related disorder. Also called: PNKD-related condition.

Submission:

PreventionGenetics, part of Exact Sciences
Classification: Uncertain significance for PNKD-related condition. Last evaluated: 2022-09-20. Review status: criteria provided, single submitter. Criteria: ACMG Guidelines, 2015. Collection method: clinical testing. Allele origin: germline.
Comment: The PNKD c.343C>G variant is predicted to result in the amino acid substitution p.Leu115Val. To our knowledge, this variant has not been reported in the literature or in a large population database, indicating this variant is rare. At this time, the clinical significance of this variant is uncertain due to the absence of conclusive functional and genetic evidence.

NM_015488.5(PNKD):c.343C>G (p.Leu115Val)

Genes: CATIP-AS2 (CATIP antisense RNA 2; minus strand), PNKD (PNKD metallo-beta-lactamase domain containing; plus strand). Cytogenetic location: 2q35.
Variant type: single nucleotide variant.
Coding change: c.343C>G on transcript NM_015488.5 (MANE Select); coding-DNA position 343, C replaced by G.
Protein change: p.Leu115Val; replaces leucine 115 with valine.
Molecular consequence: missense variant.
Genome position (GRCh38, 1-based): chr2:218,339,889, C>G. VCF-style: chr2-218339889-C-G. GRCh37 (hg19) VCF-style: chr2-219204612-C-G.
Other names: c.271C>G, p.Leu91Val (NM_022572.5); short protein forms L115V, L91V.
Identifiers: ClinVar variation 2628642 (VCV002628642.1), dbSNP rs2469462095, ClinGen allele CA350538279.
Genomic context (GRCh38, chr2:218,339,889, plus strand): 5'-CAGCAGCTGCGCAGGGCTCGGAATCGCTACCCTAAAGGCCACTCGAAAACCCAGCCCCGC[C>G]TCTTCAATGGTGAGCTCTGACTGCCCCGGCCAGCATCCCCCATTCTGTGCCCCCACCCTC-3'
Protein context (NP_056303.3, residues 105-125): PKGHSKTQPR[Leu115Val]FNGVKVLPIP